The following is an entry in ClinVar:

ClinVar aggregate classification (germline): Benign/Likely benign (0 of 4 stars; one submission).

Submission:

GeneDx
Classification: Benign/Likely benign. Last evaluated: 2011-04-30. Review status: no assertion criteria provided. Collection method: clinical testing. Allele origin: not provided. Affected: yes. Observed: 3 variant alleles. Clinical features observed: Developmental delay AND/OR other significant developmental or morphological phenotypes.
Comment: Likely benign (2), Benign (1)

GRCh38/hg38 Xq28(chrX:149563232-149570094)x1

Variant type: copy number loss.
Change: copy number 1 of chrX:149,563,232-149,570,094 (6.9 kb, GRCh38 coordinates, 1-based), cytogenetic band Xq28.
Identifiers: ClinVar variation 145151 (VCV000145151.1).